The following is an entry in ClinVar:

NM_000419.5(ITGA2B):c.2010C>A (p.Asn670Lys)

Gene: ITGA2B (integrin subunit alpha 2b; minus strand). Cytogenetic location: 17q21.31.
Variant type: single nucleotide variant.
Coding change: c.2010C>A on transcript NM_000419.5 (MANE Select); coding-DNA position 2010, C replaced by A.
Protein change: p.Asn670Lys; replaces asparagine 670 with lysine.
Molecular consequence: missense variant.
Genome position (GRCh38, 1-based): chr17:44,378,446, G>T on the plus strand (C>A on the coding strand, the complement: ITGA2B is on the minus strand). VCF-style: chr17-44378446-G-T. GRCh37 (hg19) VCF-style: chr17-42455814-G-T.
Other names: short protein forms N670K.
Identifiers: ClinVar variation 2961313 (VCV002961313.26), dbSNP rs372777804, ClinGen allele CA8602867.

ClinVar aggregate classification (germline): Uncertain significance. Review status: criteria provided, multiple submitters, no conflicts (2 of 4 stars). 3 submissions from 3 submitters: Uncertain significance (3). Last evaluated 2024-02-01.

Conditions:
Glanzmann thrombasthenia. Also called: THROMBASTHENIA OF GLANZMANN AND NAEGELI; PLATELET GLYCOPROTEIN IIb-IIIa DEFICIENCY; Thrombasthenia; Glanzmann's thrombasthenia. Identifiers: Orphanet 849, MedGen C0040015, MONDO:0100326.

Allele frequency attached by ClinVar (database versions not stated): ESP Exome Variant Server 0.00008.
gnomAD v4.1: 108 of 1,613,412 alleles (0.0067%); highest among the groups gnomAD compares: Non-Finnish European, 0.009%; no homozygotes.

Submissions (3):

CeGaT Center for Human Genetics Tuebingen
Classification: Uncertain significance. Last evaluated: 2024-02-01. Review status: criteria provided, single submitter. Criteria: CeGaT Center For Human Genetics Tuebingen Variant Classification Criteria Version 2. Collection method: clinical testing. Allele origin: germline. Affected: yes. Observed: 1 variant allele.

Labcorp Genetics (formerly Invitae), Labcorp
Classification: Uncertain significance for Glanzmann thrombasthenia. Last evaluated: 2024-01-25. Review status: criteria provided, single submitter. Criteria: Invitae Variant Classification Sherloc (09022015). Collection method: clinical testing. Allele origin: germline.
Comment: This sequence change replaces asparagine, which is neutral and polar, with lysine, which is basic and polar, at codon 670 of the ITGA2B protein (p.Asn670Lys). This variant is present in population databases (rs372777804, gnomAD 0.01%). This variant has not been reported in the literature in individuals affected with ITGA2B-related conditions. Advanced modeling of protein sequence and biophysical properties (such as structural, functional, and spatial information, amino acid conservation, physicochemical variation, residue mobility, and thermodynamic stability) performed at Invitae indicates that this missense variant is expected to disrupt ITGA2B protein function with a positive predictive value of 80%. In summary, the available evidence is currently insufficient to determine the role of this variant in disease. Therefore, it has been classified as a Variant of Uncertain Significance.

GeneDx
Classification: Uncertain significance. Last evaluated: 2023-12-09. Review status: criteria provided, single submitter. Criteria: GeneDx Variant Classification Process June 2021. Collection method: clinical testing. Allele origin: germline. Affected: yes.
Comment: Has not been previously reported in peer-reviewed literature as pathogenic or benign to our knowledge. However, in an abstract by Sabi , 2016, the variant was reported in the homozygous state in a proband with Glanzmann thrombasthenia; In silico analysis supports that this missense variant has a deleterious effect on protein structure/function; This variant is associated with the following publications: (PMID: Sabi[thesis]2016)